The following is an entry in ClinVar:

ClinVar aggregate classification (germline): Benign. Review status: criteria provided, single submitter (1 of 4 stars). 2 submissions from 2 submitters: Benign (1). 1 of the submissions does not count toward it. Last evaluated 2025-08-11.

Conditions:
SORL1-related disorder. Also called: SORL1-related condition.

Allele frequency attached by ClinVar (database versions not stated): gnomAD 0.00006 and 0.00009; gnomAD exomes 0.00008 and 0.00026; TOPMed 0.00009; ExAC 0.00023; 1000 Genomes Project 30x 0.00062; 1000 Genomes Project 0.00080.
gnomAD v4.1: 136 of 1,613,106 alleles (0.0084%); highest among the groups gnomAD compares: East Asian, 0.29%; 1 homozygote.

Submissions (2):

Labcorp Genetics (formerly Invitae), Labcorp
Classification: Benign. Last evaluated: 2025-08-11. Review status: criteria provided, single submitter. Criteria: Invitae Variant Classification Sherloc (09022015). Collection method: clinical testing. Allele origin: germline.

PreventionGenetics, part of Exact Sciences
Classification: Likely benign for SORL1-related condition. Last evaluated: 2019-04-01. Review status: no assertion criteria provided. Collection method: clinical testing. Allele origin: germline. Not counted in ClinVar's aggregate classification.
Comment: This variant is classified as likely benign based on ACMG/AMP sequence variant interpretation guidelines (Richards et al. 2015 PMID: 25741868, with internal and published modifications).

NM_003105.6(SORL1):c.2571+9A>G

Gene: SORL1 (sortilin related receptor 1; plus strand). Cytogenetic location: 11q24.1.
Variant type: single nucleotide variant.
Coding change: c.2571+9A>G on transcript NM_003105.6 (MANE Select); 9 bases into the intron after coding-DNA position 2571, A replaced by G.
Molecular consequence: intron variant.
Genome position (GRCh38, 1-based): chr11:121,555,327, A>G. VCF-style: chr11-121555327-A-G. GRCh37 (hg19) VCF-style: chr11-121426036-A-G.
Identifiers: ClinVar variation 753328 (VCV000753328.8), dbSNP rs140499624, ClinGen allele CA6328980.